The following is an entry in ClinVar:

NM_000245.4(MET):c.3046T>C (p.Ser1016Pro)

Gene: MET (MET proto-oncogene, receptor tyrosine kinase; plus strand). Cytogenetic location: 7q31.2.
Variant type: single nucleotide variant.
Coding change: c.3046T>C on transcript NM_000245.4 (MANE Select); coding-DNA position 3046, T replaced by C.
Protein change: p.Ser1016Pro; replaces serine 1016 with proline.
Molecular consequence: missense variant.
Genome position (GRCh38, 1-based): chr7:116,774,898, T>C. VCF-style: chr7-116774898-T-C. GRCh37 (hg19) VCF-style: chr7-116414952-T-C.
Other names: c.3100T>C, p.Ser1034Pro (NM_001127500.3); c.1756T>C, p.Ser586Pro (NM_001324402.2); short protein forms S1016P, S1034P, S586P.
Identifiers: ClinVar variation 3714449 (VCV003714449.2).

ClinVar aggregate classification (germline): Uncertain significance (1 of 4 stars; one submission).

Conditions:
Renal cell carcinoma. Identifiers: Orphanet 217071, MedGen C0007134, MeSH D002292, MONDO:0005086, HP:0005584.

Submission:

Labcorp Genetics (formerly Invitae), Labcorp
Classification: Uncertain significance for Renal cell carcinoma. Last evaluated: 2024-08-29. Review status: criteria provided, single submitter. Criteria: Invitae Variant Classification Sherloc (09022015). Collection method: clinical testing. Allele origin: germline.
Comment: This sequence change replaces serine, which is neutral and polar, with proline, which is neutral and non-polar, at codon 1034 of the MET protein (p.Ser1034Pro). This variant is not present in population databases (gnomAD no frequency). This variant has not been reported in the literature in individuals affected with MET-related conditions. An algorithm developed to predict the effect of missense changes on protein structure and function (PolyPhen-2) suggests that this variant is likely to be disruptive. In summary, the available evidence is currently insufficient to determine the role of this variant in disease. Therefore, it has been classified as a Variant of Uncertain Significance.